The following is an entry in ClinVar:

ClinVar aggregate classification (germline): Uncertain significance (1 of 4 stars; one submission).

Conditions:
Myopathy, tubular aggregate, 2 (TAM2). Identifiers: MedGen C4014557, MONDO:0014383, OMIM 615883.
Combined immunodeficiency due to ORAI1 deficiency. Also called: IMMUNODEFICIENCY 9. Identifiers: Orphanet 169090, Orphanet 317428, MedGen C2748568, MONDO:0013007, OMIM 612782.

Submission:

Labcorp Genetics (formerly Invitae), Labcorp
Classification: Uncertain significance for Myopathy, tubular aggregate, 2; Combined immunodeficiency due to ORAI1 deficiency. Last evaluated: 2024-10-13. Review status: criteria provided, single submitter. Criteria: Invitae Variant Classification Sherloc (09022015). Collection method: clinical testing. Allele origin: germline.
Comment: This sequence change replaces histidine, which is basic and polar, with aspartic acid, which is acidic and polar, at codon 256 of the ORAI1 protein (p.His256Asp). This variant is not present in population databases (gnomAD no frequency). This variant has not been reported in the literature in individuals affected with ORAI1-related conditions. Experimental studies and prediction algorithms are not available or were not evaluated, and the functional significance of this variant is currently unknown. In summary, the available evidence is currently insufficient to determine the role of this variant in disease. Therefore, it has been classified as a Variant of Uncertain Significance.

NC_000012.12:g.121641503C>G

Gene: ORAI1 (ORAI calcium release-activated calcium modulator 1; plus strand). Cytogenetic location: 12q24.31.
Variant type: single nucleotide variant.
Molecular consequence: non-coding transcript variant (on NR_186857.1).
Genome position: GRCh38 VCF-style: chr12-121641503-C-G. GRCh37 (hg19) VCF-style: chr12-122079409-C-G.
Identifiers: ClinVar variation 3759395 (VCV003759395.2).